The following is an entry in ClinVar:

ClinVar aggregate classification (germline): Pathogenic/Likely pathogenic. Review status: criteria provided, multiple submitters, no conflicts (2 of 4 stars). 3 submissions from 3 submitters: Pathogenic (2); Likely pathogenic (1). Last evaluated 2026-03-09.

Conditions:
SNX14-related disorder. Also called: SNX14-related condition.
Autosomal recessive spinocerebellar ataxia 20. Identifiers: Orphanet 397709, MedGen C5190595, MONDO:0014601, OMIM 616354.

Allele frequency attached by ClinVar (database versions not stated): gnomAD exomes 0.00001 and 0.00002; ExAC 0.00003.
gnomAD v4.1: 11 of 1,613,170 alleles (0.00068%); highest among the groups gnomAD compares: Admixed American, 0.0017%; no homozygotes.

Submissions (3):

PreventionGenetics, part of Exact Sciences
Classification: Likely pathogenic for SNX14-related condition. Last evaluated: 2026-03-09. Review status: criteria provided, single submitter. Criteria: ACMG Guidelines, 2015. Collection method: clinical testing. Allele origin: germline.
Comment: The SNX14 c.331C>T variant is predicted to result in premature protein termination (p.Arg111*). To our knowledge, this variant has not been reported in the literature. This variant is reported in 0.011% of alleles in individuals of East Asian descent in gnomAD. Nonsense variants in SNX14 are expected to be pathogenic. This variant is interpreted as likely pathogenic.

Broad Center for Mendelian Genomics, Broad Institute of MIT and Harvard
Classification: Pathogenic for Autosomal recessive spinocerebellar ataxia 20. Last evaluated: 2023-05-02. Review status: criteria provided, single submitter. Criteria: ACMG Guidelines, 2015. Collection method: curation. Allele origin: germline. Inheritance: Autosomal recessive inheritance.
Comment: The homozygous p.Arg111Ter variant in SNX14 was identified by our study in two siblings with spinocerebellar ataxia. The p.Arg111Ter variant in SNX14 has been previously reported in one individual with autosomal recessive spinocerebellar ataxia 20 (PMID: 34540776) but has been identified in 0.01% (2/18382) of East Asian chromosomes by the Genome Aggregation Database (gnomAD; dbSNP ID: rs760752847). Although this variant has been seen in the general population in a heterozygous state, its frequency is low enough to be consistent with a recessive carrier frequency. This variant has also been reported in ClinVar (Variation ID: 522726) and has been interpreted as pathogenic by the Genomic Research Center, Shahid Beheshti University of Medical Sciences. This nonsense variant leads to a premature termination codon at position 111, which is predicted to lead to a truncated or absent protein. Loss of function of the SNX14 gene is an established disease mechanism in autosomal recessive spinocerebellar ataxia 20. In summary, this variant meets criteria to be classified as pathogenic for autosomal recessive spinocerebellar ataxia 20. ACMG/AMP Criteria applied: PVS1, PM2_Supporting, PM3 (Richards 2015).

Genomic Research Center, Shahid Beheshti University of Medical Sciences
Classification: Pathogenic for Autosomal recessive spinocerebellar ataxia 20. Last evaluated: 2017-12-03. Review status: criteria provided, single submitter. Criteria: ACMG Guidelines, 2015. Collection method: clinical testing. Allele origin: inherited. Affected: yes.

NM_153816.6(SNX14):c.331C>T (p.Arg111Ter)

Gene: SNX14 (sorting nexin 14; minus strand). Cytogenetic location: 6q14.3.
Variant type: single nucleotide variant.
Coding change: c.331C>T on transcript NM_153816.6 (MANE Select); coding-DNA position 331, C replaced by T.
Protein change: p.Arg111Ter; replaces arginine 111 with a stop codon.
Molecular consequence: nonsense. On other transcripts: non-coding transcript variant (6), 5 prime UTR variant (9).
Genome position (GRCh38, 1-based): chr6:85,572,305, G>A on the plus strand (C>T on the coding strand, the complement: SNX14 is on the minus strand). VCF-style: chr6-85572305-G-A. GRCh37 (hg19) VCF-style: chr6-86282023-G-A.
Other names: NM_153816.6(SNX14):c.331C>T; p.Arg111Ter; c.331C>T, p.Arg111Ter (NM_001297614.3, NM_001350536.2, NM_001350538.2 and 3 more transcripts); c.175C>T, p.Arg59Ter (NM_001304479.2, NM_001350542.2, NM_001350544.2); c.394C>T, p.Arg132Ter (NM_001350532.2); c.328C>T, p.Arg110Ter (NM_001350533.2, NM_001350534.2, NM_001350535.2 and 1 more transcripts); c.172C>T, p.Arg58Ter (NM_001350539.2, NM_001350543.2); c.-70C>T (NM_001350545.2, NM_001350546.2); and 5 more; short protein forms R111*, R132*, R59*, R110*, R58*.
Identifiers: ClinVar variation 522726 (VCV000522726.6), dbSNP rs760752847, ClinGen allele CA3912480.